The following is an entry in ClinVar:

ClinVar aggregate classification (germline): Uncertain significance (1 of 4 stars; one submission).

Submission:

GeneDx
Classification: Uncertain significance. Last evaluated: 2025-07-17. Review status: criteria provided, single submitter. Criteria: GeneDx Variant Classification Process June 2021. Collection method: clinical testing. Allele origin: germline. Affected: yes.
Comment: Not observed at significant frequency in large population cohorts (gnomAD); In silico analysis supports that this missense variant has a deleterious effect on protein structure/function; Has not been previously published as pathogenic or benign to our knowledge

NM_001194.4(HCN2):c.950A>G (p.Tyr317Cys)

Genes: HCN2 (hyperpolarization activated cyclic nucleotide gated potassium and sodium channel 2; plus strand), LOC129391015 (MPRA-validated peak3211 silencer; plus strand). Cytogenetic location: 19p13.3.
Variant type: single nucleotide variant.
Coding change: c.950A>G on transcript NM_001194.4 (MANE Select); coding-DNA position 950, A replaced by G.
Protein change: p.Tyr317Cys; replaces tyrosine 317 with cysteine.
Molecular consequence: missense variant.
Genome position (GRCh38, 1-based): chr19:603,861, A>G. VCF-style: chr19-603861-A-G. GRCh37 (hg19) VCF-style: chr19-603861-A-G.
Other names: short protein forms Y317C.
Identifiers: ClinVar variation 4686538 (VCV004686538.1).
Genomic context (GRCh38, chr19:603,861, plus strand): 5'-CCTCCATCCCCGTGGACTACATCTTCCTTATCGTGGAGAAGGGCATTGACTCCGAGGTCT[A>G]CAAGACGGCACGCGCCCTGCGCATCGTGCGCTTCACCAAGATCCTCAGCCTCCTGCGGCT-3'
Protein context (NP_001185.3, residues 307-327): IVEKGIDSEV[Tyr317Cys]KTARALRIVR